The following is an entry in ClinVar:

NM_000548.5(TSC2):c.1682A>G (p.Lys561Arg)

Gene: TSC2 (TSC complex subunit 2; plus strand). Cytogenetic location: 16p13.3.
Variant type: single nucleotide variant.
Coding change: c.1682A>G on transcript NM_000548.5 (MANE Select); coding-DNA position 1682, A replaced by G.
Protein change: p.Lys561Arg; replaces lysine 561 with arginine.
Molecular consequence: missense variant. On other transcripts: non-coding transcript variant (5).
Genome position (GRCh38, 1-based): chr16:2,065,601, A>G. VCF-style: chr16-2065601-A-G. GRCh37 (hg19) VCF-style: chr16-2115602-A-G.
Other names: c.1772A>G, p.Lys591Arg (NM_001406668.1, NM_001406667.1); c.1571A>G, p.Lys524Arg (NM_001406670.1, NM_001406678.1, NM_001318827.2); c.1670A>G, p.Lys557Arg (NM_001406671.1, NM_001406673.1); c.1535A>G, p.Lys512Arg (NM_001406675.1, NM_001406676.1, NM_001406679.1 and 1 more transcripts); c.1625A>G, p.Lys542Arg (NM_001406677.1); c.1082A>G, p.Lys361Arg (NM_001406680.1, NM_001318831.2, NM_001406682.1 and 6 more transcripts); c.338A>G, p.Lys113Arg (NM_001406690.1, NM_001406691.1, NM_001406692.1 and 6 more transcripts); c.80A>G, p.Lys27Arg (NM_001406698.1); and 3 more; short protein forms K113R, K524R, K542R, K572R, K27R, K361R, K557R, K407R.
Identifiers: ClinVar variation 4192198 (VCV004192198.1).
Genomic context (GRCh38, chr16:2,065,601, plus strand): 5'-CACCCCCGGAGCTGGAAGAAAGGGATGTGGCCGCATACTCGGCCTCCTTGGAGGATGTGA[A>G]GACAGCCGTCCTGGGGCTTCTGGTCATCCTTCAGGTGGGTGTTCTGCACGAGGCCTCTGC-3'
Protein context (NP_000539.2, residues 551-571): AAYSASLEDV[Lys561Arg]TAVLGLLVIL

ClinVar aggregate classification (germline): Uncertain significance (1 of 4 stars; one submission).

Conditions:
Hereditary cancer-predisposing syndrome. Also called: Neoplastic Syndromes, Hereditary; Tumor predisposition; Hereditary Cancer Syndrome; Hereditary neoplastic syndrome. Identifiers: Orphanet 140162, MedGen C0027672, MeSH D009386, MONDO:0015356.

Submission:

Ambry Genetics
Classification: Uncertain significance for Hereditary cancer-predisposing syndrome. Last evaluated: 2025-09-07. Review status: criteria provided, single submitter. Criteria: Ambry Variant Classification Scheme 2023. Collection method: clinical testing. Allele origin: germline.
Comment: The p.K561R variant (also known as c.1682A>G), located in coding exon 15 of the TSC2 gene, results from an A to G substitution at nucleotide position 1682. The lysine at codon 561 is replaced by arginine, an amino acid with highly similar properties. This amino acid position is conserved. In addition, the in silico prediction for this alteration is inconclusive. Based on the available evidence, the clinical significance of this variant remains unclear.